The following is an entry in ClinVar:

NM_015978.3(TNNI3K):c.10_16del (p.Tyr4fs)

Genes: FPGT-TNNI3K (FPGT-TNNI3K readthrough; plus strand), TNNI3K (TNNI3 interacting kinase; plus strand). Cytogenetic location: 1p31.1.
Variant type: Deletion.
Coding change: c.10_16del on transcript NM_015978.3 (MANE Select); coding-DNA positions 10 to 16, 7 bases deleted (TATAAAT; older notation c.10_16delTATAAAT).
Protein change: p.Tyr4fs; shifts the reading frame from tyrosine 4.
Molecular consequence: frameshift variant. On other transcripts: intron variant (2).
Genome position (GRCh38, 1-based): chr1:74,235,461-74,235,467, TATAAAT deleted; deleting any 7 consecutive bases within chr1:74,235,457-74,235,467 gives the same sequence; the c. name uses the placement nearest the transcript's 3' end. VCF-style (leftmost placement, unchanged base first): chr1-74235456-GAAATTAT-G. GRCh37 (hg19) VCF-style: chr1-74701140-GAAATTAT-G.
Other names: c.344-641_344-635del (NM_001112808.3, NM_001199327.2); short protein forms Y4fs.
Identifiers: ClinVar variation 2003186 (VCV002003186.4), dbSNP rs2524303937, ClinGen allele CA2580063215.

ClinVar aggregate classification (germline): Uncertain significance (1 of 4 stars; one submission).

Submission:

Labcorp Genetics (formerly Invitae), Labcorp
Classification: Uncertain significance. Last evaluated: 2022-06-08. Review status: criteria provided, single submitter. Criteria: Invitae Variant Classification Sherloc (09022015). Collection method: clinical testing. Allele origin: germline.
Comment: This sequence change creates a premature translational stop signal (p.Tyr4Leufs*23) in the TNNI3K gene. It is expected to result in an absent or disrupted protein product. However, the current clinical and genetic evidence is not sufficient to establish whether loss-of-function variants in TNNI3K cause disease. In summary, the available evidence is currently insufficient to determine the role of this variant in disease. Therefore, it has been classified as a Variant of Uncertain Significance. This variant has not been reported in the literature in individuals affected with TNNI3K-related conditions. This variant is not present in population databases (gnomAD no frequency).